The following is an entry in ClinVar:

ClinVar aggregate classification (germline): Uncertain significance. Review status: criteria provided, single submitter (1 of 4 stars). 2 submissions from 2 submitters: Uncertain significance (1). 1 of the submissions does not count toward it. Last evaluated 2020-10-08.

Conditions:
Hypokalemic periodic paralysis, type 1. Also called: Hypokalemic Periodic Paralysis Type 1 (AD); HypoPP. Identifiers: Orphanet 681, MedGen C3714580, MONDO:0042979, OMIM 170400.
Malignant hyperthermia, susceptibility to, 5 (MHS5). Also called: CACNA1S-Related Malignant Hyperthermia Susceptibility. Identifiers: Orphanet 423, MedGen C1866077, MONDO:0011163, OMIM 601887.

gnomAD v4.1: 10 of 1,614,164 alleles (0.00062%); highest among the groups gnomAD compares: Non-Finnish European, 0.00085%; no homozygotes.

Submissions (2):

Labcorp Genetics (formerly Invitae), Labcorp
Classification: Uncertain significance for Hypokalemic periodic paralysis, type 1; Malignant hyperthermia, susceptibility to, 5. Last evaluated: 2020-10-08. Review status: criteria provided, single submitter. Criteria: Invitae Variant Classification Sherloc (09022015). Collection method: clinical testing. Allele origin: germline.
Comment: This variant has not been reported in the literature in individuals with CACNA1S-related disease. In summary, the available evidence is currently insufficient to determine the role of this variant in disease. Therefore, it has been classified as a Variant of Uncertain Significance. Algorithms developed to predict the effect of missense changes on protein structure and function do not agree on the potential impact of this missense change (SIFT: "Deleterious"; PolyPhen-2: "Probably Damaging"; Align-GVGD: "Class C0"). This variant is not present in population databases (ExAC no frequency). This sequence change replaces proline with threonine at codon 172 of the CACNA1S protein (p.Pro172Thr). The proline residue is highly conserved and there is a small physicochemical difference between proline and threonine.

Gharavi Laboratory, Columbia University
Classification: Uncertain significance. Last evaluated: 2018-09-16. Review status: no assertion criteria provided. Criteria: ACMG Guidelines, 2015. Collection method: research. Allele origin: germline. Affected: yes. Not counted in ClinVar's aggregate classification.

NM_000069.3(CACNA1S):c.514C>A (p.Pro172Thr)

Gene: CACNA1S (calcium voltage-gated channel subunit alpha1 S; minus strand). Cytogenetic location: 1q32.1.
Variant type: single nucleotide variant.
Coding change: c.514C>A on transcript NM_000069.3 (MANE Select); coding-DNA position 514, C replaced by A.
Protein change: p.Pro172Thr; replaces proline 172 with threonine.
Molecular consequence: missense variant.
Genome position (GRCh38, 1-based): chr1:201,091,999, G>T on the plus strand (C>A on the coding strand, the complement: CACNA1S is on the minus strand). VCF-style: chr1-201091999-G-T. GRCh37 (hg19) VCF-style: chr1-201061127-G-T.
Other names: short protein forms P172T.
Identifiers: ClinVar variation 591370 (VCV000591370.10), dbSNP rs370041629, ClinGen allele CA35996887.
Genomic context (GRCh38, chr1:201,091,999, plus strand): 5'-GAGAAAGGGGTCTGCAGGGACACTGCCACCCACTAGGCACCCCCGACACCAGCCGGAGGG[G>T]TCTGAGCACTCGGAAGGCTCTGAGGGCCTTGACATCCAAGCCGGCTCCTTTGCTGCTCAT-3'
Protein context (NP_000060.2, residues 162-182): KALRAFRVLR[Pro172Thr]LRLVSGVPSL